The following is an entry in ClinVar:

ClinVar aggregate classification (germline): Pathogenic/Likely pathogenic. Review status: criteria provided, multiple submitters, no conflicts (2 of 4 stars). 3 submissions from 3 submitters: Pathogenic (1); Likely pathogenic (2). Last evaluated 2024-12-15.

Conditions:
Bardet-Biedl syndrome (BBS). Identifiers: Orphanet 110, MedGen C0752166, MONDO:0015229.
Bardet-Biedl syndrome 1 (BBS1). Identifiers: MedGen C2936862, MONDO:0008854, OMIM 209900. Disease mechanism: loss of function.

Submissions (3):

Labcorp Genetics (formerly Invitae), Labcorp
Classification: Pathogenic for Bardet-Biedl syndrome. Last evaluated: 2024-12-15. Review status: criteria provided, single submitter. Criteria: Invitae Variant Classification Sherloc (09022015). Collection method: clinical testing. Allele origin: germline.
Comment: This sequence change creates a premature translational stop signal (p.Ala107Glyfs*10) in the BBS1 gene. It is expected to result in an absent or disrupted protein product. Loss-of-function variants in BBS1 are known to be pathogenic (PMID: 12118255, 21520335, 27032803). This variant is not present in population databases (gnomAD no frequency). This variant has not been reported in the literature in individuals affected with BBS1-related conditions. ClinVar contains an entry for this variant (Variation ID: 961524). For these reasons, this variant has been classified as Pathogenic.

Fulgent Genetics
Classification: Likely pathogenic for Bardet-Biedl syndrome 1. Last evaluated: 2024-05-16. Review status: criteria provided, single submitter. Criteria: ACMG Guidelines, 2015. Collection method: clinical testing. Allele origin: germline.

Baylor Genetics
Classification: Likely pathogenic for Bardet-Biedl syndrome 1. Last evaluated: 2023-08-29. Review status: criteria provided, single submitter. Criteria: ACMG Guidelines, 2015. Collection method: clinical testing. Allele origin: unknown.

Literature cited by the submitters: PubMed 12118255 (cited by Labcorp Genetics (formerly Invitae), Labcorp); PubMed 21520335 (cited by Labcorp Genetics (formerly Invitae), Labcorp); PubMed 27032803 (cited by Labcorp Genetics (formerly Invitae), Labcorp).

NM_024649.5(BBS1):c.319dup (p.Ala107fs)

Gene: BBS1 (Bardet-Biedl syndrome 1; plus strand). Cytogenetic location: 11q13.2.
Variant type: Duplication.
Coding change: c.319dup on transcript NM_024649.5 (MANE Select); coding-DNA position 319, one base duplicated (G; older notation c.319dupG).
Protein change: p.Ala107fs; shifts the reading frame from alanine 107.
Molecular consequence: frameshift variant.
Genome position (GRCh38, 1-based): chr11:66,514,565, G duplicated. VCF-style (leftmost placement, unchanged base first): chr11-66514564-T-TG. GRCh37 (hg19) VCF-style: chr11-66282035-T-TG.
Other names: short protein forms A107fs.
Identifiers: ClinVar variation 961524 (VCV000961524.10), dbSNP rs1856010064, ClinGen allele CA1139662033.
Genomic context (GRCh38, chr11:66,514,564, plus strand): 5'-AGCTGCTGCTGCCACCTTCCTCATGGAGCAACATGAGCCCCGGACCCCAGCTCTGGCACT[T>TG]GCTTCAGGCCCTTGTGTCTATGTGTATAAGAATCTCAGACCCTACTTCAAGTTCAGCCTG-3'